The following is an entry in ClinVar:

ClinVar aggregate classification (germline): Uncertain significance. Review status: criteria provided, multiple submitters, no conflicts (2 of 4 stars). 4 submissions from 4 submitters: Uncertain significance (4). Last evaluated 2025-08-29.

Conditions:
Renal tubular acidosis with progressive nerve deafness. Also called: RENAL TUBULAR ACIDOSIS, AUTOSOMAL RECESSIVE, WITH PROGRESSIVE NERVE DEAFNESS; RTA WITH PROGRESSIVE NERVE DEAFNESS; renal tubular acidosis, distal, 2, with progressive sensorineural hearing loss; Distal Renal Tubular Acidosis with Progressive Sensorineural Deafness. Identifiers: MedGen C0403554, MONDO:0009968, OMIM 267300.
Inborn genetic diseases. Identifiers: MedGen C0950123, MeSH D030342.

Allele frequency attached by ClinVar (database versions not stated): ExAC 0.00005; gnomAD exomes 0.00005; ESP Exome Variant Server 0.00023; 1000 Genomes Project 0.00060; 1000 Genomes Project 30x 0.00078.

Submissions (4):

Ambry Genetics
Classification: Uncertain significance for Inborn genetic diseases. Last evaluated: 2025-08-29. Review status: criteria provided, single submitter. Criteria: Ambry Variant Classification Scheme 2023. Collection method: clinical testing. Allele origin: germline.

Fulgent Genetics
Classification: Uncertain significance for Renal tubular acidosis with progressive nerve deafness. Last evaluated: 2024-06-09. Review status: criteria provided, single submitter. Criteria: ACMG Guidelines, 2015. Collection method: clinical testing. Allele origin: germline.

Labcorp Genetics (formerly Invitae), Labcorp
Classification: Uncertain significance. Last evaluated: 2022-02-11. Review status: criteria provided, single submitter. Criteria: Invitae Variant Classification Sherloc (09022015). Collection method: clinical testing. Allele origin: germline.
Comment: This sequence change replaces arginine, which is basic and polar, with cysteine, which is neutral and slightly polar, at codon 314 of the ATP6V1B1 protein (p.Arg314Cys). This variant is present in population databases (rs147187470, gnomAD 0.02%). This variant has not been reported in the literature in individuals affected with ATP6V1B1-related conditions. Algorithms developed to predict the effect of missense changes on protein structure and function (SIFT, PolyPhen-2, Align-GVGD) all suggest that this variant is likely to be disruptive. In summary, the available evidence is currently insufficient to determine the role of this variant in disease. Therefore, it has been classified as a Variant of Uncertain Significance.

Revvity Omics, Revvity
Classification: Uncertain significance for Renal tubular acidosis with progressive nerve deafness. Last evaluated: 2020-09-04. Review status: criteria provided, single submitter. Criteria: ACMG Guidelines, 2015. Collection method: clinical testing. Allele origin: germline.

NM_001692.4(ATP6V1B1):c.940C>T (p.Arg314Cys)

Gene: ATP6V1B1 (ATPase H+ transporting V1 subunit B1; plus strand). Cytogenetic location: 2p13.3.
Variant type: single nucleotide variant.
Coding change: c.940C>T on transcript NM_001692.4 (MANE Select); coding-DNA position 940, C replaced by T.
Protein change: p.Arg314Cys; replaces arginine 314 with cysteine.
Molecular consequence: missense variant.
Genome position (GRCh38, 1-based): chr2:70,963,192, C>T. VCF-style: chr2-70963192-C-T. GRCh37 (hg19) VCF-style: chr2-71190322-C-T.
Other names: c.940C>T (NM_001692.3); short protein forms R314C.
Identifiers: ClinVar variation 1429399 (VCV001429399.7), dbSNP rs147187470, ClinGen allele CA1701207.